The following is an entry in ClinVar:

ClinVar aggregate classification (germline): Uncertain significance. Review status: criteria provided, multiple submitters, no conflicts (2 of 4 stars). 3 submissions from 3 submitters: Uncertain significance (2). 1 of the submissions does not count toward it. Last evaluated 2025-09-11.

Conditions:
Inborn genetic diseases. Identifiers: MedGen C0950123, MeSH D030342.
Chronic granulomatous disease. Identifiers: Orphanet 379, MedGen C0018203, MONDO:0018305.
Granulomatous disease, chronic, autosomal recessive, cytochrome b-negative. Also called: GRANULOMATOUS DISEASE, CHRONIC, AUTOSOMAL RECESSIVE, 4; Chronic granulomatous disease, autosomal, due to deficiency of CYBA; CGD DUE TO DEFICIENCY OF THE ALPHA SUBUNIT OF CYTOCHROME b; CGD, AUTOSOMAL RECESSIVE CYTOCHROME b-NEGATIVE; CYBA DEFICIENCY. Identifiers: Orphanet 379, MedGen C1856255, MONDO:0009308, OMIM 233690.

Allele frequency attached by ClinVar (database versions not stated): gnomAD below 0.00001 and 0.00005; TOPMed below 0.00001; gnomAD exomes 0.00013; 1000 Genomes Project 0.00040; 1000 Genomes Project 30x 0.00047; ExAC 0.00054.
gnomAD v4.1: 74 of 1,532,188 alleles (0.0048%); highest among the groups gnomAD compares: South Asian, 0.081%; no homozygotes.

Submissions (3):

Ambry Genetics
Classification: Uncertain significance for Inborn genetic diseases. Last evaluated: 2025-09-11. Review status: criteria provided, single submitter. Criteria: Ambry Variant Classification Scheme 2023. Collection method: clinical testing. Allele origin: germline.

Labcorp Genetics (formerly Invitae), Labcorp
Classification: Uncertain significance for Granulomatous disease, chronic, autosomal recessive, cytochrome b-negative. Last evaluated: 2022-05-27. Review status: criteria provided, single submitter. Criteria: Invitae Variant Classification Sherloc (09022015). Collection method: clinical testing. Allele origin: germline.
Comment: This sequence change replaces proline, which is neutral and non-polar, with serine, which is neutral and polar, at codon 159 of the CYBA protein (p.Pro159Ser). This variant is present in population databases (rs558222148, gnomAD 0.07%). This variant has not been reported in the literature in individuals affected with CYBA-related conditions. ClinVar contains an entry for this variant (Variation ID: 638954). Algorithms developed to predict the effect of missense changes on protein structure and function are either unavailable or do not agree on the potential impact of this missense change (SIFT: "Deleterious"; PolyPhen-2: "Probably Damaging"; Align-GVGD: "Class C0"). In summary, the available evidence is currently insufficient to determine the role of this variant in disease. Therefore, it has been classified as a Variant of Uncertain Significance.

Natera, Inc.
Classification: Uncertain significance for Chronic granulomatous disease. Last evaluated: 2020-01-24. Review status: no assertion criteria provided. Collection method: clinical testing. Allele origin: germline. Not counted in ClinVar's aggregate classification.

NM_000101.4(CYBA):c.475C>T (p.Pro159Ser)

Gene: CYBA (cytochrome b-245 alpha chain; minus strand). Cytogenetic location: 16q24.2.
Variant type: single nucleotide variant.
Coding change: c.475C>T on transcript NM_000101.4 (MANE Select); coding-DNA position 475, C replaced by T.
Protein change: p.Pro159Ser; replaces proline 159 with serine.
Molecular consequence: missense variant.
Genome position (GRCh38, 1-based): chr16:88,643,466, G>A on the plus strand (C>T on the coding strand, the complement: CYBA is on the minus strand). VCF-style: chr16-88643466-G-A. GRCh37 (hg19) VCF-style: chr16-88709874-G-A.
Other names: c.475C>T (NM_000101.2); short protein forms P159S.
Identifiers: ClinVar variation 638954 (VCV000638954.5), dbSNP rs558222148, ClinGen allele CA8228192.